The following is an entry in ClinVar:

ClinVar aggregate classification (germline): Uncertain significance. Review status: criteria provided, multiple submitters, no conflicts (2 of 4 stars). 4 submissions from 4 submitters: Uncertain significance (4). Last evaluated 2025-08-04.

Conditions:
Hereditary cancer-predisposing syndrome. Also called: Tumor predisposition; Hereditary Cancer Syndrome; Hereditary neoplastic syndrome; Neoplastic Syndromes, Hereditary. Identifiers: Orphanet 140162, MedGen C0027672, MeSH D009386, MONDO:0015356.
Familial adenomatous polyposis 1 (FAP1). Also called: FAMILIAL ADENOMATOUS POLYPOSIS 1, ATTENUATED; POLYPOSIS, ADENOMATOUS INTESTINAL. Identifiers: MedGen C2713442, MONDO:0021056, OMIM 175100. Disease mechanism: loss of function.

Allele frequency attached by ClinVar (database versions not stated): TOPMed below 0.00001; gnomAD 0.00001.
gnomAD v4.1: 1 of 1,613,988 alleles (0.000062%); highest among the groups gnomAD compares: Non-Finnish European, 0.000085%; no homozygotes.

Submissions (4):

Ambry Genetics
Classification: Uncertain significance for Hereditary cancer-predisposing syndrome. Last evaluated: 2025-08-04. Review status: criteria provided, single submitter. Criteria: Ambry Variant Classification Scheme 2023. Collection method: clinical testing. Allele origin: germline.
Comment: The p.P1526L variant (also known as c.4577C>T), located in coding exon 15 of the APC gene, results from a C to T substitution at nucleotide position 4577. The proline at codon 1526 is replaced by leucine, an amino acid with similar properties. This amino acid position is highly conserved in available vertebrate species. In addition, in silico predictors for this gene do not accurately predict pathogenicity. Missense alterations in APC are not a common cause of disease (Spier I et al. Genet Med. 2024 Feb;26(2):100992). Since supporting evidence is limited at this time, the clinical significance of this alteration remains unclear.

Labcorp Genetics (formerly Invitae), Labcorp
Classification: Uncertain significance for Familial adenomatous polyposis 1. Last evaluated: 2024-09-01. Review status: criteria provided, single submitter. Criteria: Invitae Variant Classification Sherloc (09022015). Collection method: clinical testing. Allele origin: germline.
Comment: This sequence change replaces proline, which is neutral and non-polar, with leucine, which is neutral and non-polar, at codon 1526 of the APC protein (p.Pro1526Leu). This variant is not present in population databases (gnomAD no frequency). This variant has not been reported in the literature in individuals affected with APC-related conditions. ClinVar contains an entry for this variant (Variation ID: 537541). Invitae Evidence Modeling of protein sequence and biophysical properties (such as structural, functional, and spatial information, amino acid conservation, physicochemical variation, residue mobility, and thermodynamic stability) indicates that this missense variant is not expected to disrupt APC protein function with a negative predictive value of 95%. In summary, the available evidence is currently insufficient to determine the role of this variant in disease. Therefore, it has been classified as a Variant of Uncertain Significance.

Baylor Genetics
Classification: Uncertain significance for Familial adenomatous polyposis 1. Last evaluated: 2023-10-06. Review status: criteria provided, single submitter. Criteria: ACMG Guidelines, 2015. Collection method: clinical testing. Allele origin: unknown.

Color Diagnostics, LLC DBA Color Health
Classification: Uncertain significance for Hereditary cancer-predisposing syndrome. Last evaluated: 2022-12-05. Review status: criteria provided, single submitter. Criteria: ACMG Guidelines, 2015. Collection method: clinical testing. Allele origin: germline.
Comment: This missense variant replaces proline with leucine at codon 1526 of the APC protein. Computational prediction is inconclusive regarding the impact of this variant on protein structure and function (internally defined REVEL score threshold 0.5 < inconclusive < 0.7, PMID: 27666373). To our knowledge, functional studies have not been reported for this variant. This variant has not been reported in individuals affected with APC-related disorders in the literature. This variant has not been identified in the general population by the Genome Aggregation Database (gnomAD). The available evidence is insufficient to determine the role of this variant in disease conclusively. Therefore, this variant is classified as a Variant of Uncertain Significance.

Literature cited by the submitters: PubMed 31054147 (cited by Ambry Genetics).

NM_000038.6(APC):c.4577C>T (p.Pro1526Leu)

Gene: APC (APC regulator of Wnt signaling pathway; plus strand). Cytogenetic location: 5q22.2.
Variant type: single nucleotide variant.
Coding change: c.4577C>T on transcript NM_000038.6 (MANE Select); coding-DNA position 4577, C replaced by T.
Protein change: p.Pro1526Leu; replaces proline 1526 with leucine.
Molecular consequence: missense variant.
Genome position (GRCh38, 1-based): chr5:112,840,171, C>T. VCF-style: chr5-112840171-C-T. GRCh37 (hg19) VCF-style: chr5-112175868-C-T.
Other names: c.4577C>T, p.Pro1526Leu (NM_001127510.3, NM_001354895.2); c.4523C>T, p.Pro1508Leu (NM_001127511.3); c.4631C>T, p.Pro1544Leu (NM_001354896.2); c.4607C>T, p.Pro1536Leu (NM_001354897.2); c.4502C>T, p.Pro1501Leu (NM_001354898.2); c.4493C>T, p.Pro1498Leu (NM_001354899.2); c.4454C>T, p.Pro1485Leu (NM_001354900.2); c.4400C>T, p.Pro1467Leu (NM_001354901.2); and 5 more; short protein forms P1508L, P1526L, P1366L, P1400L, P1467L, P1485L, P1498L, P1536L.
Identifiers: ClinVar variation 537541 (VCV000537541.20), dbSNP rs1325776789, ClinGen allele CA16031357.
Genomic context (GRCh38, chr5:112,840,171, plus strand): 5'-TGAGTGCTCTGAGCCTCGATGAGCCATTTATACAGAAAGATGTGGAATTAAGAATAATGC[C>T]TCCAGTTCAGGAAAATGACAATGGGAATGAAACAGAATCAGAGCAGCCTAAAGAATCAAA-3'
Protein context (NP_000029.2, residues 1516-1536): IQKDVELRIM[Pro1526Leu]PVQENDNGNE